The following is an entry in ClinVar:

ClinVar aggregate classification (germline): Uncertain significance (1 of 4 stars; one submission).

Conditions:
Duchenne muscular dystrophy (DMD). Also called: MUSCULAR DYSTROPHY, PSEUDOHYPERTROPHIC PROGRESSIVE, DUCHENNE TYPE; Duchenne Muscular Dystrophy (DMD). Identifiers: Orphanet 98896, MedGen C0013264, MONDO:0010679, OMIM 310200.

Submission:

Labcorp Genetics (formerly Invitae), Labcorp
Classification: Uncertain significance for Duchenne muscular dystrophy. Last evaluated: 2024-02-24. Review status: criteria provided, single submitter. Criteria: Invitae Variant Classification Sherloc (09022015). Collection method: clinical testing. Allele origin: germline.
Comment: This sequence change replaces arginine, which is basic and polar, with proline, which is neutral and non-polar, at codon 1028 of the DMD protein (p.Arg1028Pro). This variant is not present in population databases (gnomAD no frequency). This variant has not been reported in the literature in individuals affected with DMD-related conditions. ClinVar contains an entry for this variant (Variation ID: 1353462). Advanced modeling of protein sequence and biophysical properties (such as structural, functional, and spatial information, amino acid conservation, physicochemical variation, residue mobility, and thermodynamic stability) performed at Invitae indicates that this missense variant is not expected to disrupt DMD protein function with a negative predictive value of 95%. In summary, the available evidence is currently insufficient to determine the role of this variant in disease. Therefore, it has been classified as a Variant of Uncertain Significance.

NM_004006.3(DMD):c.3083G>C (p.Arg1028Pro)

Gene: DMD (dystrophin; minus strand). Cytogenetic location: Xp21.1.
Variant type: single nucleotide variant.
Coding change: c.3083G>C on transcript NM_004006.3 (MANE Select); coding-DNA position 3083, G replaced by C.
Protein change: p.Arg1028Pro; replaces arginine 1028 with proline.
Molecular consequence: missense variant.
Genome position (GRCh38, 1-based): chrX:32,468,577, C>G on the plus strand (G>C on the coding strand, the complement: DMD is on the minus strand). VCF-style: chrX-32468577-C-G. GRCh37 (hg19) VCF-style: chrX-32486694-C-G.
Other names: c.3059G>C, p.Arg1020Pro (NM_000109.4); c.3071G>C, p.Arg1024Pro (NM_004009.3); c.2714G>C, p.Arg905Pro (NM_004010.3); short protein forms R1024P, R1028P, R905P, R1020P.
Identifiers: ClinVar variation 1353462 (VCV001353462.8), dbSNP rs746322769, ClinGen allele CA412666905.